The following is an entry in ClinVar:

ClinVar aggregate classification (germline): Uncertain significance (1 of 4 stars; one submission).

Conditions:
Type 2 diabetes mellitus. Also called: Type II diabetes mellitus. Identifiers: MedGen C0011860, MeSH D003924, MONDO:0005148, OMIM 125853, HP:0005978.
Maturity-onset diabetes of the young type 4 (MODY4). Also called: Maturity-onset diabetes of the young, type IV; MODY, type IV. Identifiers: Orphanet 552, MedGen C1833382, MONDO:0011667, OMIM 606392.
Pancreatic agenesis 1 (PAGEN1). Also called: PANCREATIC HYPOPLASIA, CONGENITAL. Identifiers: Orphanet 2805, MedGen C3891828, MONDO:0024547, OMIM 260370.

Submission:

Juno Genomics, Hangzhou Juno Genomics, Inc
Classification: Uncertain significance for Type 2 diabetes mellitus; Pancreatic agenesis 1; Maturity-onset diabetes of the young type 4. Review status: criteria provided, single submitter. Criteria: ACMG Guidelines, 2015. Collection method: clinical testing. Allele origin: germline. Affected: yes.
Comment: Absent from controls (or at extremely low frequency if recessive) in Genome Aggregation Database, Exome Sequencing Project, 1000 Genomes Project, or Exome Aggregation Consortium.;Multiple lines of computational evidence support a deleterious effect on the gene or gene product (conservation, evolutionary, splicing impact, etc).

NM_000209.4(PDX1):c.433G>A (p.Glu145Lys)

Gene: PDX1 (pancreatic and duodenal homeobox 1; plus strand). Cytogenetic location: 13q12.2.
Variant type: single nucleotide variant.
Coding change: c.433G>A on transcript NM_000209.4 (MANE Select); coding-DNA position 433, G replaced by A.
Protein change: p.Glu145Lys; replaces glutamic acid 145 with lysine.
Molecular consequence: missense variant.
Genome position (GRCh38, 1-based): chr13:27,924,282, G>A. VCF-style: chr13-27924282-G-A. GRCh37 (hg19) VCF-style: chr13-28498419-G-A.
Other names: short protein forms E145K.
Identifiers: ClinVar variation 3383115 (VCV003383115.2).